The following is an entry in ClinVar:

ClinVar aggregate classification (germline): Likely pathogenic (1 of 4 stars; one submission).

Conditions:
Retinitis pigmentosa 73 (RP73). Identifiers: Orphanet 791, MedGen C4225287, MONDO:0014687, OMIM 616544.
Mucopolysaccharidosis, MPS-III-C (MPS3C). Also called: SANFILIPPO SYNDROME C; MPS III C; Mucopolysaccharidosis type IIIC (Sanfilippo C); MUCOPOLYSACCHARIDOSIS, TYPE IIIC; mucopolysaccharidosis type 3C; MPS IIIC (Sanfilippo Syndrome Type C). Identifiers: Orphanet 581, Orphanet 79271, MedGen C0086649, MONDO:0009657, OMIM 252930.

Allele frequency attached by ClinVar (database versions not stated): gnomAD 0.00001; TOPMed 0.00001.
gnomAD v4.1: 2 of 1,607,888 alleles (0.00012%); highest among the groups gnomAD compares: African/African-American, 0.0027%; no homozygotes.

Submission:

Labcorp Genetics (formerly Invitae), Labcorp
Classification: Likely pathogenic for Retinitis pigmentosa 73; Mucopolysaccharidosis, MPS-III-C. Last evaluated: 2023-03-04. Review status: criteria provided, single submitter. Criteria: Invitae Variant Classification Sherloc (09022015). Collection method: clinical testing. Allele origin: germline.
Comment: This sequence change affects an acceptor splice site in intron 7 of the HGSNAT gene. It is expected to disrupt RNA splicing. Variants that disrupt the donor or acceptor splice site typically lead to a loss of protein function (PMID: 16199547), and loss-of-function variants in HGSNAT are known to be pathogenic (PMID: 17033958, 19479962). This variant is not present in population databases (gnomAD no frequency). Disruption of this splice site has been observed in individual(s) with mucopolysaccharidosis type III (PMID: 19479962, 33879512). ClinVar contains an entry for this variant (Variation ID: 1948100). Algorithms developed to predict the effect of sequence changes on RNA splicing suggest that this variant may disrupt the consensus splice site. In summary, the currently available evidence indicates that the variant is pathogenic, but additional data are needed to prove that conclusively. Therefore, this variant has been classified as Likely Pathogenic.

Literature cited by the submitters: PubMed 16199547; PubMed 17033958; PubMed 19479962; PubMed 33879512.

NM_152419.3(HGSNAT):c.744-2A>C

Gene: HGSNAT (heparan-alpha-glucosaminide N-acetyltransferase; plus strand). Cytogenetic location: 8p11.21.
Variant type: single nucleotide variant.
Coding change: c.744-2A>C on transcript NM_152419.3 (MANE Select); the canonical splice acceptor site of the intron before coding-DNA position 744, A replaced by C.
Molecular consequence: splice acceptor variant.
Genome position (GRCh38, 1-based): chr8:43,172,308, A>C. VCF-style: chr8-43172308-A-C. GRCh37 (hg19) VCF-style: chr8-43027451-A-C.
Other names: c.744-2A>C (NM_001363227.2, NM_001363228.2); c.-90-2A>C (NM_001363229.2).
Identifiers: ClinVar variation 1948100 (VCV001948100.5), dbSNP rs762402992, ClinGen allele CA371116284.